The following is an entry in ClinVar:

ClinVar aggregate classification (germline): Pathogenic. Review status: criteria provided, multiple submitters, no conflicts (2 of 4 stars). 7 submissions from 7 submitters: Pathogenic (7). Last evaluated 2025-09-11.

Conditions:
Developmental and epileptic encephalopathy, 32 (DEE32). Also called: Epileptic encephalopathy, early infantile, 32. Identifiers: Orphanet 442835, MedGen C4225350, MONDO:0014607, OMIM 616366.

Submissions (7):

Dasa
Classification: Pathogenic. Last evaluated: 2025-09-11. Review status: criteria provided, single submitter. Criteria: DASA Assertion Criteria. Collection method: clinical testing. Allele origin: germline.
Comment: NM_004974.4(KCNA2):c.1120A>G (p.Thr374Ala) is a missense variant that results in the substitution of threonine with alanine. De novo occurrence has been reported in an individual with related phenotype. This variant has been recurrently observed in individuals with related phenotype (PMID: 27117551; PMID: 31905474). Multiple computational predictions support a deleterious effect on the gene or gene product. The variant is present at low frequency in population datasets. Based on the available data, this variant is classified as pathogenic.

3billion
Classification: Pathogenic for Developmental and epileptic encephalopathy, 32. Last evaluated: 2024-03-07. Review status: criteria provided, single submitter. Criteria: ACMG Guidelines, 2015. Collection method: clinical testing. Allele origin: germline. Affected: yes.
Comment: The variant is not observed in the gnomAD v2.1.1 dataset. Predicted Consequence/Location: Missense changes are a common disease-causing mechanism. In silico tool predictions suggest damaging effect of the variant on gene or gene product [REVEL: 0.97 (>=0.6, sensitivity 0.68 and specificity 0.92); 3Cnet: 0.88 (>=0.6, sensitivity 0.72 and precision 0.9)]. Same nucleotide change resulting in same amino acid change has been previously reported as pathogenic/likely pathogenic with strong evidence (ClinVar ID: VCV000559647 /PMID: 27117551). The variant has been previously reported as assumed (i.e. paternity and maternity not confirmed) de novo in at least one similarly affected unrelated individual (PMID: 27117551). Therefore, this variant is classified as Pathogenic according to the recommendation of ACMG/AMP guideline.

Neuberg Centre For Genomic Medicine, NCGM
Classification: Pathogenic for Developmental and epileptic encephalopathy, 32. Last evaluated: 2023-05-20. Review status: criteria provided, single submitter. Criteria: ACMG Guidelines, 2015. Collection method: clinical testing. Allele origin: germline. Inheritance: Autosomal dominant inheritance. Affected: yes.
Comment: The observed missense c.1120A>G(p.Thr374Ala) variant in KCNA2 gene has been reported previously in heterozygous state in individual(s) affected with epileptic encephalopathies (Masnada et al., 2017). Experimental studies have shown that this missense change affects KCNA2 function (Masnada et al., 2017). This variant is absent in gnomAD Exomes. This variant has been reported to the ClinVar database as Pathogenic by multiple submitters. The amino acid Thr at position 374 is changed to a Ala changing protein sequence and it might alter its composition and physico-chemical properties. The amino acid change p.Thr374Ala in KCNA2 is predicted as conserved by GERP++ and PhyloP across 100 vertebrates. Multiple lines of computational evidence (Polyphen - Damaging, SIFT - Damaging, and MutationTaster - Disease causing) predict a damaging effect on protein structure and function for this variant. For these reasons, this variant has been classified as Pathogenic.

Labcorp Genetics (formerly Invitae), Labcorp
Classification: Pathogenic for Developmental and epileptic encephalopathy, 32. Last evaluated: 2022-08-15. Review status: criteria provided, single submitter. Criteria: Invitae Variant Classification Sherloc (09022015). Collection method: clinical testing. Allele origin: germline.
Comment: For these reasons, this variant has been classified as Pathogenic. Algorithms developed to predict the effect of sequence changes on RNA splicing suggest that this variant may create or strengthen a splice site. Experimental studies have shown that this missense change affects KCNA2 function (PMID: 29050392). Advanced modeling of protein sequence and biophysical properties (such as structural, functional, and spatial information, amino acid conservation, physicochemical variation, residue mobility, and thermodynamic stability) performed at Invitae indicates that this missense variant is expected to disrupt KCNA2 protein function. ClinVar contains an entry for this variant (Variation ID: 559647). This missense change has been observed in individual(s) with early infantile epileptic encephalopathy (PMID: 27117551, 29050392). In at least one individual the variant was observed to be de novo. This variant is not present in population databases (gnomAD no frequency). This sequence change replaces threonine, which is neutral and polar, with alanine, which is neutral and non-polar, at codon 374 of the KCNA2 protein (p.Thr374Ala).

Mendelics
Classification: Pathogenic for Developmental and epileptic encephalopathy, 32. Last evaluated: 2019-05-28. Review status: criteria provided, single submitter. Criteria: Mendelics Assertion Criteria 2017. Collection method: clinical testing. Allele origin: unknown.

Molecular Genetics Laboratory, BC Children's and BC Women's Hospitals
Classification: Pathogenic for Developmental and epileptic encephalopathy, 32. Last evaluated: 2018-04-23. Review status: criteria provided, single submitter. Criteria: ACMG Guidelines, 2015. Collection method: clinical testing. Allele origin: de novo. Affected: yes.

National Institute of Neuroscience, National Center of Neurology and Psychiatry
Classification: Pathogenic for Developmental and epileptic encephalopathy, 32. Review status: criteria provided, single submitter. Criteria: ACMG Guidelines, 2015. Collection method: research. Allele origin: de novo. Affected: yes. Observed: 1 variant allele.

Literature cited by the submitters: PubMed 27117551 (cited by 3 submitters); PubMed 31905474 (cited by Dasa); PubMed 29050392 (cited by Labcorp Genetics (formerly Invitae), Labcorp); PubMed 33624935 (cited by National Institute of Neuroscience, National Center of Neurology and Psychiatry).

NM_004974.4(KCNA2):c.1120A>G (p.Thr374Ala)

Gene: KCNA2 (potassium voltage-gated channel subfamily A member 2; minus strand). Cytogenetic location: 1p13.3.
Variant type: single nucleotide variant.
Coding change: c.1120A>G on transcript NM_004974.4 (MANE Select); coding-DNA position 1120, A replaced by G.
Protein change: p.Thr374Ala; replaces threonine 374 with alanine.
Molecular consequence: missense variant. On other transcripts: intron variant (1).
Genome position (GRCh38, 1-based): chr1:110,603,663, T>C on the plus strand (A>G on the coding strand, the complement: KCNA2 is on the minus strand). VCF-style: chr1-110603663-T-C. GRCh37 (hg19) VCF-style: chr1-111146285-T-C.
Other names: c.894+226A>G (NM_001204269.2); short protein forms T374A.
Identifiers: ClinVar variation 559647 (VCV000559647.12), dbSNP rs1553181280, ClinGen allele CA341601761.
Genomic context (GRCh38, chr1:110,603,663, plus strand): 5'-ATAGGGAACCCACTATCTTTCCCCCAATGGTAGTCGGAACCATGTCTCCATAGCCTACAG[T>C]TGTCATGGAGACGACTGCCCACCAGAAGGCATCTGGGATGCTGGGGAACTGGGACTCTCG-3'
Protein context (NP_004965.1, residues 364-384): AFWWAVVSMT[Thr374Ala]VGYGDMVPTT